The following is an entry in ClinVar:

NM_000855.3(GUCY1A2):c.208_228del (p.Ala70_Ala76del)

Gene: GUCY1A2 (guanylate cyclase 1 soluble subunit alpha 2; minus strand). Cytogenetic location: 11q22.3.
Variant type: Deletion.
Coding change: c.208_228del on transcript NM_000855.3 (MANE Select); coding-DNA positions 208 to 228, 21 bases deleted (GCCGCTGCCACTGCCGGGGCC).
Protein change: p.Ala70_Ala76del.
Molecular consequence: inframe deletion.
Genome position (GRCh38, 1-based): chr11:107,017,828-107,017,848, GGCCCCGGCAGTGGCAGCGGC deleted on the plus strand (GCCGCTGCCACTGCCGGGGCC on the coding strand, the reverse complement: GUCY1A2 is on the minus strand); deleting any 21 consecutive bases within chr11:107,017,828-107,017,851 gives the same sequence; the c. name uses the placement nearest the transcript's 3' end. VCF-style (leftmost placement, unchanged base first): chr11-107017827-TGGCCCCGGCAGTGGCAGCGGC-T. GRCh37 (hg19) VCF-style: chr11-106888553-TGGCCCCGGCAGTGGCAGCGGC-T.
Other names: c.208_228del, p.Ala70_Ala76del (NM_001256424.2).
Identifiers: ClinVar variation 3235735 (VCV003235735.1), dbSNP rs2496603592, ClinGen allele CA2615808274.

ClinVar aggregate classification (germline): Uncertain significance (1 of 4 stars; one submission).

Submission:

Greenwood Genetic Center Diagnostic Laboratories, Greenwood Genetic Center
Classification: Uncertain significance. Last evaluated: 2024-02-12. Review status: criteria provided, single submitter. Criteria: ACMG Guidelines, 2015. Collection method: clinical testing. Allele origin: germline. Affected: yes.
Comment: Gene of Uncertain Significance